The following is an entry in ClinVar:

ClinVar aggregate classification (germline): Uncertain significance. Review status: criteria provided, multiple submitters, no conflicts (2 of 4 stars). 2 submissions from 2 submitters: Uncertain significance (2). Last evaluated 2023-12-06.

Conditions:
Inborn genetic diseases. Identifiers: MedGen C0950123, MeSH D030342.

Allele frequency attached by ClinVar (database versions not stated): gnomAD exomes 0.00002 and 0.00005; ExAC 0.00004; gnomAD 0.00011 and 0.00012; ESP Exome Variant Server 0.00016; 1000 Genomes Project 30x 0.00031; 1000 Genomes Project 0.00040.

Submissions (2):

Labcorp Genetics (formerly Invitae), Labcorp
Classification: Uncertain significance. Last evaluated: 2023-12-06. Review status: criteria provided, single submitter. Criteria: Invitae Variant Classification Sherloc (09022015). Collection method: clinical testing. Allele origin: germline.
Comment: This sequence change replaces asparagine, which is neutral and polar, with serine, which is neutral and polar, at codon 347 of the GPAA1 protein (p.Asn347Ser). This variant is present in population databases (rs376518725, gnomAD 0.03%). This variant has not been reported in the literature in individuals affected with GPAA1-related conditions. ClinVar contains an entry for this variant (Variation ID: 1525857). Advanced modeling of protein sequence and biophysical properties (such as structural, functional, and spatial information, amino acid conservation, physicochemical variation, residue mobility, and thermodynamic stability) performed at Invitae indicates that this missense variant is not expected to disrupt GPAA1 protein function with a negative predictive value of 80%. In summary, the available evidence is currently insufficient to determine the role of this variant in disease. Therefore, it has been classified as a Variant of Uncertain Significance.

Ambry Genetics
Classification: Uncertain significance for Inborn genetic diseases. Last evaluated: 2022-09-21. Review status: criteria provided, single submitter. Criteria: Ambry Variant Classification Scheme 2023. Collection method: clinical testing. Allele origin: germline.
Comment: The c.1040A>G (p.N347S) alteration is located in exon 8 (coding exon 8) of the GPAA1 gene. This alteration results from a A to G substitution at nucleotide position 1040, causing the asparagine (N) at amino acid position 347 to be replaced by a serine (S). The p.N347S alteration is predicted to be tolerated by in silico analysis. Based on insufficient or conflicting evidence, the clinical significance of this alteration remains unclear.

NM_003801.4(GPAA1):c.1040A>G (p.Asn347Ser)

Gene: GPAA1 (glycosylphosphatidylinositol anchor attachment 1; plus strand). Cytogenetic location: 8q24.3.
Variant type: single nucleotide variant.
Coding change: c.1040A>G on transcript NM_003801.4 (MANE Select); coding-DNA position 1040, A replaced by G.
Protein change: p.Asn347Ser; replaces asparagine 347 with serine.
Molecular consequence: missense variant.
Genome position (GRCh38, 1-based): chr8:144,084,751, A>G. VCF-style: chr8-144084751-A-G. GRCh37 (hg19) VCF-style: chr8-145139654-A-G.
Other names: c.1040A>G (NM_003801.3); short protein forms N347S.
Identifiers: ClinVar variation 1525857 (VCV001525857.5), dbSNP rs376518725, ClinGen allele CA4933031.